The following is an entry in ClinVar:

NM_001371928.1(AHDC1):c.2547del (p.Ser850fs)

Gene: AHDC1 (AT-hook DNA binding motif containing 1; minus strand). Cytogenetic location: 1p36.11.
Variant type: Deletion.
Coding change: c.2547del on transcript NM_001371928.1 (MANE Select); coding-DNA position 2547, one base deleted (C; older notation c.2547delC).
Protein change: p.Ser850fs; shifts the reading frame from serine 850.
Molecular consequence: frameshift variant.
Genome position (GRCh38, 1-based): chr1:27,549,569, G deleted on the plus strand (C on the coding strand, the reverse complement: AHDC1 is on the minus strand); the first of 2 consecutive G bases (chr1:27,549,569-27,549,570); deleting either gives the same sequence. VCF-style (leftmost placement, unchanged base first): chr1-27549568-AG-A. GRCh37 (hg19) VCF-style: chr1-27876079-AG-A.
Other names: c.2547del, p.Ser850fs (NM_001029882.3); short protein forms S850fs.
Identifiers: ClinVar variation 133328 (VCV000133328.4), dbSNP rs587779768, ClinGen allele CA156429.

ClinVar aggregate classification (germline): Pathogenic. Review status: criteria provided, multiple submitters, no conflicts (2 of 4 stars). 4 submissions from 4 submitters: Pathogenic (2). 2 of the submissions do not count toward it. Last evaluated 2014-10-29.

Conditions:
AHDC1-related intellectual disability - obstructive sleep apnea - mild dysmorphism syndrome. Also called: Xia-Gibbs syndrome. Identifiers: Orphanet 412069, MedGen C4014419, MONDO:0014358, OMIM 615829.
Global developmental delay (DD). Also called: Cognitive delay. Identifiers: MedGen C0557874, HP:0001263. Disease mechanism: loss of function.
Delayed speech and language development. Also called: Language delay. Identifiers: MedGen C0454644, HP:0000750.
Neonatal hypotonia. Identifiers: MedGen C2267233, HP:0001319.
Intellectual disability. Also called: Intellectual developmental disorder; Intellectual functioning disability; intellectual disabilities. Identifiers: MedGen C3714756, MeSH D008607, MONDO:0001071, HP:0001249.
Sleep apnea. Also called: Sleep apnea syndrome. Identifiers: MedGen C0037315, MONDO:0005296, HP:0010535.
Hypotonia. Also called: Muscular hypotonia; poor muscle tone. Identifiers: MedGen C0026827, HP:0001252.

Submissions (4):

Baylor Genetics
Classification: Pathogenic for AHDC1-related intellectual disability - obstructive sleep apnea - mild dysmorphism syndrome. Last evaluated: 2014-10-29. Review status: criteria provided, single submitter. Criteria: ACMG Guidelines, 2015. Collection method: clinical testing. Allele origin: germline. Affected: yes.

Lupski Lab, Baylor-Hopkins CMG, Baylor College of Medicine
Classification: Pathogenic for Delayed speech and language development; Hypotonia; Sleep apnea. Last evaluated: 2014-05-01. Review status: criteria provided, single submitter. Criteria: Xia et al. (Am J Hum Genet. 2014). Collection method: clinical testing. Allele origin: de novo. Inheritance: Autosomal dominant inheritance. Affected: yes. Observed: 1 variant allele, 1 heterozygote.

OMIM
Classification: Pathogenic for XIA-GIBBS SYNDROME. Last evaluated: 2014-05-01. Review status: no assertion criteria provided. Collection method: literature only. Allele origin: germline. Not counted in ClinVar's aggregate classification.

Whole genome laboratory; Baylor College of Medicine
Classification: Pathogenic for Neonatal hypotonia; Sleep apnea; Delayed speech and language development; Intellectual disability; Global developmental delay. Last evaluated: 2014-04-17. Review status: no assertion criteria provided. Collection method: clinical testing. Allele origin: germline. Affected: yes. Observed: 1 variant allele. Study: Clinical exome sequencing test. Not counted in ClinVar's aggregate classification.
Comment: Sporadic neonatal hypotonia, developmental delay, speech impairment, sleep apnea, and intellectual disability

Literature cited by the submitters: PubMed 24791903 (cited by 3 submitters).